The following is an entry in ClinVar:

NM_032888.4(COL27A1):c.3377del (p.Gly1126fs)

Gene: COL27A1 (collagen type XXVII alpha 1 chain; plus strand). Cytogenetic location: 9q32.
Variant type: Deletion.
Coding change: c.3377del on transcript NM_032888.4 (MANE Select); coding-DNA position 3377, one base deleted (G; older notation c.3377delG).
Protein change: p.Gly1126fs; shifts the reading frame from glycine 1126.
Molecular consequence: frameshift variant.
Genome position (GRCh38, 1-based): chr9:114,265,459, G deleted; the last of 3 consecutive G bases (chr9:114,265,457-114,265,459); deleting any one gives the same sequence. VCF-style (leftmost placement, unchanged base first): chr9-114265456-AG-A. GRCh37 (hg19) VCF-style: chr9-117027736-AG-A.
Other names: short protein forms G1126fs.
Identifiers: ClinVar variation 2002004 (VCV002002004.4), dbSNP rs2491405260, ClinGen allele CA2580079508.

ClinVar aggregate classification (germline): Pathogenic (1 of 4 stars; one submission).

Submission:

Labcorp Genetics (formerly Invitae), Labcorp
Classification: Pathogenic. Last evaluated: 2022-06-02. Review status: criteria provided, single submitter. Criteria: Invitae Variant Classification Sherloc (09022015). Collection method: clinical testing. Allele origin: germline.
Comment: This variant is not present in population databases (gnomAD no frequency). For these reasons, this variant has been classified as Pathogenic. This variant has not been reported in the literature in individuals affected with COL27A1-related conditions. This sequence change creates a premature translational stop signal (p.Gly1126Alafs*41) in the COL27A1 gene. It is expected to result in an absent or disrupted protein product. Loss-of-function variants in COL27A1 are known to be pathogenic (PMID: 24986830, 28276056).

Literature cited by the submitters: PubMed 24986830; PubMed 28276056.